The following is an entry in ClinVar:

ClinVar aggregate classification (germline): Benign/Likely benign. Review status: criteria provided, multiple submitters, no conflicts (2 of 4 stars). 2 submissions from 2 submitters: Benign (1); Likely benign (1). Last evaluated 2024-12-27.

Conditions:
Hereditary cancer-predisposing syndrome. Also called: Hereditary neoplastic syndrome; Hereditary Cancer Syndrome; Neoplastic Syndromes, Hereditary; Tumor predisposition. Identifiers: Orphanet 140162, MedGen C0027672, MeSH D009386, MONDO:0015356.
Lynch syndrome 5 (LYNCH5). Also called: Hereditary non-polyposis colorectal cancer, type 5; Colorectal cancer, hereditary nonpolyposis, type 5. Identifiers: Orphanet 144, MedGen C1833477, MONDO:0013710, OMIM 614350. Disease mechanism: loss of function.

Allele frequency attached by ClinVar (database versions not stated): TOPMed below 0.00001.

Submissions (2):

Myriad Genetics, Inc.
Classification: Benign for Lynch syndrome 5. Last evaluated: 2024-12-27. Review status: criteria provided, single submitter. Criteria: Myriad Autosomal Dominant, Autosomal Recessive and X-Linked Classification Criteria (2023). Collection method: clinical testing. Allele origin: unknown.
Comment: This variant is considered benign. This variant is a silent/synonymous amino acid change and it is not expected to impact splicing.

Ambry Genetics
Classification: Likely benign for Hereditary cancer-predisposing syndrome. Last evaluated: 2023-05-23. Review status: criteria provided, single submitter. Criteria: Ambry Variant Classification Scheme 2023. Collection method: clinical testing. Allele origin: germline.

NM_000179.3(MSH6):c.1821A>C (p.Thr607=)

Gene: MSH6 (mutS homolog 6; plus strand). Cytogenetic location: 2p16.3.
Variant type: single nucleotide variant.
Coding change: c.1821A>C on transcript NM_000179.3 (MANE Select); coding-DNA position 1821, A replaced by C.
Protein change: p.Thr607=; no amino-acid change (threonine 607 retained).
Molecular consequence: synonymous variant. On other transcripts: non-coding transcript variant (4), intron variant (2).
Genome position (GRCh38, 1-based): chr2:47,799,804, A>C. VCF-style: chr2-47799804-A-C. GRCh37 (hg19) VCF-style: chr2-48026943-A-C.
Other names: c.1431A>C, p.Thr477= (NM_001281492.2); c.915A>C, p.Thr305= (NM_001281493.2, NM_001281494.2, NM_001406811.1 and 6 more transcripts); c.1917A>C, p.Thr639= (NM_001406795.1, NM_001406802.1); c.1821A>C, p.Thr607= (NM_001406796.1, NM_001406798.1, NM_001406800.1 and 3 more transcripts); c.1524A>C, p.Thr508= (NM_001406797.1, NM_001406801.1, NM_001406805.1 and 10 more transcripts); c.1296A>C, p.Thr432= (NM_001406799.1, NM_001406806.1, NM_001406807.1); c.1743A>C, p.Thr581= (NM_001406804.1); c.1827A>C, p.Thr609= (NM_001406813.1); and 3 more.
Identifiers: ClinVar variation 2567487 (VCV002567487.3), dbSNP rs1669377514, ClinGen allele CA426121180.
Genomic context (GRCh38, chr2:47,799,804, plus strand): 5'-ACACTATCCCCCAGTACAAGTTTTATTTGAAAAAGGAAATCTCTCAAAGGAAACTAAAAC[A>C]ATTCTAAAGAGTTCATTGTCCTGTTCTCTTCAGGAAGGTCTGATACCCGGCTCCCAGTTT-3'
Protein context (NP_000170.1, residues 597-617): EKGNLSKETK[Thr607=]ILKSSLSCSL